The following is an entry in ClinVar:

ClinVar aggregate classification (germline): Uncertain significance (1 of 4 stars; one submission).

gnomAD v4.1: 21 of 1,613,970 alleles (0.0013%); highest among the groups gnomAD compares: Admixed American, 0.0017%; no homozygotes.

Submission:

Mayo Clinic Laboratories, Mayo Clinic
Classification: Uncertain significance. Last evaluated: 2025-04-21. Review status: criteria provided, single submitter. Criteria: ACMG Guidelines, 2015. Collection method: clinical testing. Allele origin: germline. Observed: 1 variant allele.
Comment: BP4, BP7

NM_003764.4(STX11):c.-3A>C

Gene: STX11 (syntaxin 11; plus strand). Cytogenetic location: 6q24.2.
Variant type: single nucleotide variant.
Coding change: c.-3A>C on transcript NM_003764.4 (MANE Select); 3 bases upstream of the start codon, A replaced by C.
Molecular consequence: 5 prime UTR variant.
Genome position (GRCh38, 1-based): chr6:144,186,625, A>C. VCF-style: chr6-144186625-A-C. GRCh37 (hg19) VCF-style: chr6-144507762-A-C.
Identifiers: ClinVar variation 4541229 (VCV004541229.1).